The following is an entry in ClinVar:

ClinVar aggregate classification (germline): Uncertain significance (1 of 4 stars; one submission).

gnomAD v4.1: 3 of 1,614,158 alleles (0.00019%); highest among the groups gnomAD compares: African/African-American, 0.004%; no homozygotes.

Submission:

Ambry Genetics
Classification: Uncertain significance. Last evaluated: 2026-05-26. Review status: criteria provided, single submitter. Criteria: Ambry Variant Classification Scheme 2023. Collection method: clinical testing. Allele origin: germline.
Comment: The c.494A>G (p.Y165C) alteration is located in exon 7 (coding exon 7) of the CLCN6 gene. This alteration results from a A to G substitution at nucleotide position 494, causing the tyrosine (Y) at amino acid position 165 to be replaced by a cysteine (C). Based on data from gnomAD, the G allele has an overall frequency of <0.001% (1/251492) total alleles studied. The highest observed frequency was 0.006% (1/16256) of African alleles. Based on insufficient or conflicting evidence, the clinical significance of this alteration remains unclear.

NM_001286.5(CLCN6):c.494A>G (p.Tyr165Cys)

Gene: CLCN6 (Cl-/H+ antiporter 6; plus strand). Cytogenetic location: 1p36.22.
Variant type: single nucleotide variant.
Coding change: c.494A>G on transcript NM_001286.5 (MANE Select); coding-DNA position 494, A replaced by G.
Protein change: p.Tyr165Cys; replaces tyrosine 165 with cysteine.
Molecular consequence: missense variant. On other transcripts: non-coding transcript variant (1).
Genome position (GRCh38, 1-based): chr1:11,823,747, A>G. VCF-style: chr1-11823747-A-G. GRCh37 (hg19) VCF-style: chr1-11883804-A-G.
Other names: c.428A>G, p.Tyr143Cys (NM_001256959.2); short protein forms Y143C, Y165C.
Identifiers: ClinVar variation 4869014 (VCV004869014.1).